The following is an entry in ClinVar:

ClinVar aggregate classification (germline): Pathogenic (1 of 4 stars; one submission).

Submission:

Clinical Genomics Laboratory, Laboratory for Precision Diagnostics, University of Washington
Classification: Pathogenic. Last evaluated: 2022-01-10. Review status: criteria provided, single submitter. Criteria: ACMG/ClinGen CNV Guidelines, 2019. Collection method: clinical testing. Allele origin: unknown. Affected: yes. Observed: 1 variant allele.
Comment: A pathogenic terminal deletion of 9q34.3 encompassing EHMT1 was detected. Heterozygous loss-of-function variants of EHMT1, including whole gene deletions, cause Kleefstra syndrome.

Literature cited by the submitters: PubMed 29160022; PubMed 16826528; PubMed 19264732; PubMed 17910072.

GRCh38/hg38 9q34.3(chr9:135445565-138172039)x1

Genes: PTGDS (prostaglandin D2 synthase; plus strand), ABCA2 (ATP binding cassette subfamily A member 2; minus strand), AGPAT2 (1-acylglycerol-3-phosphate O-acyltransferase 2; minus strand), AJM1 (apical junction component 1 homolog; plus strand), ANAPC2 (anaphase promoting complex subunit 2; minus strand) and 341 more. Cytogenetic location: 9q34.3.
Variant type: copy number loss.
Change: copy number 1 (one copy instead of two) of chr9:135,445,565-138,172,039 (2.73 Mb, GRCh38 coordinates, 1-based), cytogenetic band 9q34.3.
Identifiers: ClinVar variation 4755380 (VCV004755380.1).